The following is an entry in ClinVar:

ClinVar aggregate classification (germline): Conflicting classifications of pathogenicity. Review status: criteria provided, conflicting classifications (1 of 4 stars). 3 submissions from 3 submitters: Uncertain significance (2); Likely benign (1). Last evaluated 2025-08-10.

Conditions:
Cardiovascular phenotype. Identifiers: MedGen CN230736.
Arrhythmogenic right ventricular dysplasia 8 (ARVD8). Also called: Arrhythmogenic Right Ventricular Dysplasia/Cardiomyopathy 8; ARRHYTHMOGENIC RIGHT VENTRICULAR DYSPLASIA, FAMILIAL, 8; ARRHYTHMOGENIC RIGHT VENTRICULAR CARDIOMYOPATHY 8. Identifiers: MedGen C1843896, MONDO:0011831, OMIM 607450.
Arrhythmogenic cardiomyopathy with wooly hair and keratoderma. Also called: Arrhythmogenic cardiomyopathy with woolly hair and keratoderma; PALMOPLANTAR KERATODERMA WITH LEFT VENTRICULAR CARDIOMYOPATHY AND WOOLLY HAIR; Carvajal syndrome; Dilated cardiomyopathy with woolly hair and keratoderma. Identifiers: Orphanet 65282, MedGen C1854063, MONDO:0011581, OMIM 605676.
Cardiomyopathy (CMYO). Also called: Cardiomyopathies. Identifiers: Orphanet 167848, MedGen C0878544, MONDO:0004994, HP:0001638. Inheritance: Various modes of inheritance.

Allele frequency attached by ClinVar (database versions not stated): gnomAD exomes below 0.00001 and 0.00001; gnomAD 0.00001; TOPMed 0.00001.
gnomAD v4.1: 7 of 1,613,994 alleles (0.00043%); highest among the groups gnomAD compares: East Asian, 0.0022%; no homozygotes.

Submissions (3):

Color Diagnostics, LLC DBA Color Health
Classification: Uncertain significance for Cardiomyopathy. Last evaluated: 2025-08-10. Review status: criteria provided, single submitter. Criteria: ACMG Guidelines, 2015. Collection method: clinical testing. Allele origin: germline.
Comment: This missense variant replaces serine with leucine at codon 2708 of the DSP protein. Computational prediction is inconclusive regarding the impact of this variant on protein structure and function. To our knowledge, functional studies have not been reported for this variant. This variant has not been reported in individuals affected with DSP-related disorders in the literature. This variant has been identified in 1/251438 chromosomes in the general population by the Genome Aggregation Database (gnomAD). The available evidence is insufficient to determine the role of this variant in disease conclusively. Therefore, this variant is classified as a Variant of Uncertain Significance.

Labcorp Genetics (formerly Invitae), Labcorp
Classification: Likely benign for Arrhythmogenic cardiomyopathy with wooly hair and keratoderma; Arrhythmogenic right ventricular dysplasia 8. Last evaluated: 2024-02-19. Review status: criteria provided, single submitter. Criteria: Invitae Variant Classification Sherloc (09022015). Collection method: clinical testing. Allele origin: germline.

Ambry Genetics
Classification: Uncertain significance for Cardiovascular phenotype. Last evaluated: 2022-08-27. Review status: criteria provided, single submitter. Criteria: Ambry Variant Classification Scheme 2023. Collection method: clinical testing. Allele origin: germline.
Comment: The p.S2708L variant (also known as c.8123C>T), located in coding exon 24 of the DSP gene, results from a C to T substitution at nucleotide position 8123. The serine at codon 2708 is replaced by leucine, an amino acid with dissimilar properties. This amino acid position is conserved. In addition, this alteration is predicted to be deleterious by in silico analysis. Since supporting evidence is limited at this time, the clinical significance of this alteration remains unclear.

NM_004415.4(DSP):c.8123C>T (p.Ser2708Leu)

Gene: DSP (desmoplakin; plus strand). Cytogenetic location: 6p24.3.
Variant type: single nucleotide variant.
Coding change: c.8123C>T on transcript NM_004415.4 (MANE Select); coding-DNA position 8123, C replaced by T.
Protein change: p.Ser2708Leu; replaces serine 2708 with leucine.
Molecular consequence: missense variant.
Genome position (GRCh38, 1-based): chr6:7,585,385, C>T. VCF-style: chr6-7585385-C-T. GRCh37 (hg19) VCF-style: chr6-7585618-C-T.
Other names: c.8123C>T (LRG_423t1); c.6326C>T, p.Ser2109Leu (NM_001008844.3); c.6794C>T, p.Ser2265Leu (NM_001319034.2); short protein forms S2708L, S2265L, S2109L.
Identifiers: ClinVar variation 640665 (VCV000640665.12), dbSNP rs1194266904, ClinGen allele CA362694489.
Genomic context (GRCh38, chr6:7,585,385, plus strand): 5'-TGAAGCCTGCTCAGAAAGCCTTCATAGGCTTCGAGGGTGTGAAGGGAAAGAAGAAGATGT[C>T]AGCAGCAGAGGCAGTGAAAGAAAAATGGCTCCCGTATGAGGCTGGCCAGCGCTTCCTGGA-3'
Protein context (NP_004406.2, residues 2698-2718): FEGVKGKKKM[Ser2708Leu]AAEAVKEKWL